The following is an entry in ClinVar:

NM_000210.4(ITGA6):c.400C>T (p.Arg134Ter)

Genes: ITGA6 (integrin subunit alpha 6; plus strand), PDK1-AS1 (PDK1 and ITGA6 antisense RNA 1; minus strand). Cytogenetic location: 2q31.1.
Variant type: single nucleotide variant.
Coding change: c.400C>T on transcript NM_000210.4 (MANE Select); coding-DNA position 400, C replaced by T.
Protein change: p.Arg134Ter; replaces arginine 134 with a stop codon.
Molecular consequence: nonsense.
Genome position (GRCh38, 1-based): chr2:172,469,137, C>T. VCF-style: chr2-172469137-C-T. GRCh37 (hg19) VCF-style: chr2-173333865-C-T.
Other names: c.400C>T, p.Arg134Ter (NM_001079818.3, NM_001365529.2, NM_001365530.2); c.58C>T, p.Arg20Ter (NM_001316306.2); short protein forms R134*, R20*.
Identifiers: ClinVar variation 591460 (VCV000591460.4), dbSNP rs866151033, ClinGen allele CA60705136.
Genomic context (GRCh38, chr2:172,469,137, plus strand): 5'-ACAAGGTTTATAGACAAGAATGGGCTACTTTCTTCCATCTGCTTGCAGACATGTGCTCAC[C>T]GATATGAAAAAAGGCAGCATGTTAATACGAAGCAGGAATCCCGAGACATCTTTGGGCGGT-3'

ClinVar aggregate classification (germline): Pathogenic. Review status: criteria provided, single submitter (1 of 4 stars). 2 submissions from 2 submitters: Pathogenic (1). 1 of the submissions does not count toward it. Last evaluated 2024-08-14.

Submissions (2):

Labcorp Genetics (formerly Invitae), Labcorp
Classification: Pathogenic. Last evaluated: 2024-08-14. Review status: criteria provided, single submitter. Criteria: Invitae Variant Classification Sherloc (09022015). Collection method: clinical testing. Allele origin: germline.
Comment: This sequence change creates a premature translational stop signal (p.Arg134*) in the ITGA6 gene. It is expected to result in an absent or disrupted protein product. Loss-of-function variants in ITGA6 are known to be pathogenic (PMID: 9158140, 9185503, 9804362, 27607025). This variant is not present in population databases (gnomAD no frequency). This variant has not been reported in the literature in individuals affected with ITGA6-related conditions. ClinVar contains an entry for this variant (Variation ID: 591460). Algorithms developed to predict the effect of sequence changes on RNA splicing suggest that this variant may disrupt the consensus splice site. For these reasons, this variant has been classified as Pathogenic.

Gharavi Laboratory, Columbia University
Classification: Uncertain significance. Last evaluated: 2018-09-16. Review status: no assertion criteria provided. Criteria: ACMG Guidelines, 2015. Collection method: research. Allele origin: germline. Affected: yes. Not counted in ClinVar's aggregate classification.

Literature cited by the submitters: PubMed 9158140 (cited by Labcorp Genetics (formerly Invitae), Labcorp); PubMed 9185503 (cited by Labcorp Genetics (formerly Invitae), Labcorp); PubMed 9804362 (cited by Labcorp Genetics (formerly Invitae), Labcorp); PubMed 27607025 (cited by Labcorp Genetics (formerly Invitae), Labcorp).